The following is an entry in ClinVar:

ClinVar aggregate classification (germline): Uncertain significance (1 of 4 stars; one submission).

gnomAD v4.1: 1 of 1,614,064 alleles (0.000062%); highest among the groups gnomAD compares: Non-Finnish European, 0.000085%; no homozygotes.

Submission:

Ambry Genetics
Classification: Uncertain significance. Last evaluated: 2025-06-02. Review status: criteria provided, single submitter. Criteria: Ambry Variant Classification Scheme 2023. Collection method: clinical testing. Allele origin: germline.
Comment: The p.S498A variant (also known as c.1492T>G), located in coding exon 8 of the ATRIP gene, results from a T to G substitution at nucleotide position 1492. The serine at codon 498 is replaced by alanine, an amino acid with similar properties. This amino acid position is conserved. In addition, the in silico prediction for this alteration is inconclusive. Based on the available evidence, the clinical significance of this variant remains unclear.

NM_130384.3(ATRIP):c.1492T>G (p.Ser498Ala)

Genes: ATRIP (ATR interacting protein; plus strand), ATRIP-TREX1 (ATRIP-TREX1 readthrough; plus strand). Cytogenetic location: 3p21.31.
Variant type: single nucleotide variant.
Coding change: c.1492T>G on transcript NM_130384.3 (MANE Select); coding-DNA position 1492, T replaced by G.
Protein change: p.Ser498Ala; replaces serine 498 with alanine.
Molecular consequence: missense variant. On other transcripts: non-coding transcript variant (1).
Genome position (GRCh38, 1-based): chr3:48,460,546, T>G. VCF-style: chr3-48460546-T-G. GRCh37 (hg19) VCF-style: chr3-48501945-T-G.
Other names: c.1111T>G, p.Ser371Ala (NM_001271022.2); c.1213T>G, p.Ser405Ala (NM_001271023.2); c.1492T>G, p.Ser498Ala (NM_032166.4); short protein forms S371A, S498A, S405A.
Identifiers: ClinVar variation 3976980 (VCV003976980.1).
Genomic context (GRCh38, chr3:48,460,546, plus strand): 5'-GCACTTAGCATTCTTCAGCACCTGGTGTGCCACAGCGGAGCAGTCGTCTCCCTATTACTG[T>G]CAGGAGTGGGGGCAGATTCTGCTGCTGGGGAAGGAAACAGGAGCCTGGTTCACAGGCTTA-3'
Protein context (NP_569055.1, residues 488-508): HSGAVVSLLL[Ser498Ala]GVGADSAAGE